The following is an entry in ClinVar:

ClinVar aggregate classification (germline): Conflicting classifications of pathogenicity. Review status: criteria provided, conflicting classifications (1 of 4 stars). 3 submissions from 3 submitters: Uncertain significance (1); Likely benign (1). 1 of the submissions does not count toward it. Last evaluated 2025-11-03.

Conditions:
Inborn genetic diseases. Identifiers: MedGen C0950123, MeSH D030342.
NRIP1-related disorder. Also called: NRIP1-related condition.

Allele frequency attached by ClinVar (database versions not stated): TOPMed 0.00025; 1000 Genomes Project 30x 0.00031; 1000 Genomes Project 0.00040; gnomAD 0.00016.
gnomAD v4.1: 151 of 1,614,012 alleles (0.0094%); highest among the groups gnomAD compares: East Asian, 0.27%; no homozygotes.

Submissions (3):

Labcorp Genetics (formerly Invitae), Labcorp
Classification: Likely benign. Last evaluated: 2025-11-03. Review status: criteria provided, single submitter. Criteria: Invitae Variant Classification Sherloc (09022015). Collection method: clinical testing. Allele origin: germline.

Ambry Genetics
Classification: Uncertain significance for Inborn genetic diseases. Last evaluated: 2022-11-08. Review status: criteria provided, single submitter. Criteria: Ambry Variant Classification Scheme 2023. Collection method: clinical testing. Allele origin: germline.

PreventionGenetics, part of Exact Sciences
Classification: Likely benign for NRIP1-related condition. Last evaluated: 2023-06-20. Review status: no assertion criteria provided. Collection method: clinical testing. Allele origin: germline. Not counted in ClinVar's aggregate classification.
Comment: This variant is classified as likely benign based on ACMG/AMP sequence variant interpretation guidelines (Richards et al. 2015 PMID: 25741868, with internal and published modifications).

NM_003489.4(NRIP1):c.1469C>T (p.Ser490Phe)

Gene: NRIP1 (nuclear receptor interacting protein 1; minus strand). Cytogenetic location: 21q11.2.
Variant type: single nucleotide variant.
Coding change: c.1469C>T on transcript NM_003489.4 (MANE Select); coding-DNA position 1469, C replaced by T.
Protein change: p.Ser490Phe; replaces serine 490 with phenylalanine.
Molecular consequence: missense variant.
Genome position (GRCh38, 1-based): chr21:14,966,724, G>A on the plus strand (C>T on the coding strand, the complement: NRIP1 is on the minus strand). VCF-style: chr21-14966724-G-A. GRCh37 (hg19) VCF-style: chr21-16339045-G-A.
Other names: short protein forms S490F.
Identifiers: ClinVar variation 2374649 (VCV002374649.7), dbSNP rs143089816, ClinGen allele CA9981333.